The following is an entry in ClinVar:

ClinVar aggregate classification (germline): Uncertain significance. Review status: criteria provided, multiple submitters, no conflicts (2 of 4 stars). 2 submissions from 2 submitters: Uncertain significance (2). Last evaluated 2023-06-02.

Conditions:
Cardiomyopathy-hypotonia-lactic acidosis syndrome (MPCD). Identifiers: Orphanet 91130, MedGen C1835845, MONDO:0012557, OMIM 610773.

Allele frequency attached by ClinVar (database versions not stated): gnomAD exomes below 0.00001.
gnomAD v4.1: 4 of 1,613,734 alleles (0.00025%); highest among the groups gnomAD compares: Non-Finnish European, 0.00034%; no homozygotes.

Submissions (2):

GeneDx
Classification: Uncertain significance. Last evaluated: 2023-06-02. Review status: criteria provided, single submitter. Criteria: GeneDx Variant Classification Process June 2021. Collection method: clinical testing. Allele origin: germline. Affected: yes.
Comment: Not observed at significant frequency in large population cohorts (gnomAD); In silico analysis supports that this missense variant has a deleterious effect on protein structure/function; Has not been previously published as pathogenic or benign to our knowledge

Centre for Mendelian Genomics, University Medical Centre Ljubljana
Classification: Uncertain significance for Cardiomyopathy-hypotonia-lactic acidosis syndrome. Last evaluated: 2018-12-13. Review status: criteria provided, single submitter. Criteria: ACMG Guidelines, 2015. Collection method: clinical testing. Allele origin: unknown. Affected: yes.
Comment: This variant was classified as: Uncertain significance. The available evidence on this variant's pathogenicity is insufficient or conflicting. The following ACMG criteria were applied in classifying this variant: PM2,PP3.

NM_002635.4(SLC25A3):c.49C>G (p.Pro17Ala)

Gene: SLC25A3 (solute carrier family 25 member 3; plus strand). Cytogenetic location: 12q23.1.
Variant type: single nucleotide variant.
Coding change: c.49C>G on transcript NM_002635.4 (MANE Select); coding-DNA position 49, C replaced by G.
Protein change: p.Pro17Ala; replaces proline 17 with alanine.
Molecular consequence: missense variant.
Genome position (GRCh38, 1-based): chr12:98,594,027, C>G. VCF-style: chr12-98594027-C-G. GRCh37 (hg19) VCF-style: chr12-98987805-C-G.
Other names: c.49C>G, p.Pro17Ala (NM_005888.4, NM_213611.3); short protein forms P17A.
Identifiers: ClinVar variation 931405 (VCV000931405.4), dbSNP rs1294003725, ClinGen allele CA386161591.